The following is an entry in ClinVar:

NM_153717.3(EVC):c.438_464del (p.Val147_Ala155del)

Gene: EVC (EvC ciliary complex subunit 1; plus strand). Cytogenetic location: 4p16.2.
Variant type: Deletion.
Coding change: c.438_464del on transcript NM_153717.3 (MANE Select); coding-DNA positions 438 to 464, 27 bases deleted (TGTTTTGCCACACCAGCCGGTAGAGGC).
Protein change: p.Val147_Ala155del.
Molecular consequence: inframe deletion.
Genome position (GRCh38, 1-based): chr4:5,731,478-5,731,504, TGTTTTGCCACACCAGCCGGTAGAGGC deleted; deleting any 27 consecutive bases within chr4:5,731,474-5,731,504 gives the same sequence; the c. name uses the placement nearest the transcript's 3' end. VCF-style (leftmost placement, unchanged base first): chr4-5731473-CAGGCTGTTTTGCCACACCAGCCGGTAG-C. GRCh37 (hg19) VCF-style: chr4-5733200-CAGGCTGTTTTGCCACACCAGCCGGTAG-C.
Other names: c.438_464del, p.Val147_Ala155del (NM_001306090.2, NM_001306092.2).
Identifiers: ClinVar variation 5004689 (VCV005004689.1).

ClinVar aggregate classification (germline): Uncertain significance (1 of 4 stars; one submission).

Conditions:
Ellis-van Creveld syndrome (EVC). Also called: Chondroectodermal dysplasia; MESOECTODERMAL DYSPLASIA. Identifiers: Orphanet 289, MedGen C0013903, MONDO:0009162, OMIM 225500.

Submission:

Myriad Genetics, Inc.
Classification: Uncertain significance for Ellis-van Creveld syndrome. Last evaluated: 2026-05-20. Review status: criteria provided, single submitter. Criteria: Myriad Autosomal Dominant, Autosomal Recessive and X-Linked Classification Criteria (2023). Collection method: clinical testing. Allele origin: unknown.
Comment: NM_153717.2(EVC):c.438_464del27(V147_A155del) is an in-frame deletion classified as a variant of uncertain significance in the context of EVC-related Ellis-van Creveld syndrome. V147_A155del has not been observed in cases with relevant disease. Relevant functional assessments of this variant are not available in the literature. V147_A155del has not been observed in referenced population frequency databases. In summary, there is insufficient evidence to classify NM_153717.2(EVC):c.438_464del27(V147_A155del) as pathogenic or benign. Please note: this variant was assessed in the context of healthy population screening.